The following is an entry in ClinVar:

NM_001329943.3(KIAA0586):c.1513C>G (p.Leu505Val)

Gene: KIAA0586 (KIAA0586; plus strand). Cytogenetic location: 14q23.1.
Variant type: single nucleotide variant.
Coding change: c.1513C>G on transcript NM_001329943.3 (MANE Select); coding-DNA position 1513, C replaced by G.
Protein change: p.Leu505Val; replaces leucine 505 with valine.
Molecular consequence: missense variant.
Genome position (GRCh38, 1-based): chr14:58,457,909, C>G. VCF-style: chr14-58457909-C-G. GRCh37 (hg19) VCF-style: chr14-58924627-C-G.
Other names: c.1672C>G, p.Leu558Val (NM_001244189.2); c.1468C>G, p.Leu490Val (NM_001244190.2); c.1258C>G, p.Leu420Val (NM_001244191.2, NM_001329945.2, NM_001364700.1 and 1 more transcripts); c.1381C>G, p.Leu461Val (NM_001244192.2); c.1093C>G, p.Leu365Val (NM_001244193.2); c.1513C>G, p.Leu505Val (NM_001329944.2, NM_001329946.2, NM_001329947.2 and 1 more transcripts); short protein forms L461V, L365V, L420V, L490V, L505V, L558V.
Identifiers: ClinVar variation 2072498 (VCV002072498.2), dbSNP rs757972092, ClinGen allele CA7205672.

ClinVar aggregate classification (germline): Uncertain significance (1 of 4 stars; one submission).

Conditions:
Joubert syndrome 23 (JBTS23). Identifiers: Orphanet 475, MedGen C4084822, MONDO:0014664, OMIM 616490.
Short-rib thoracic dysplasia 14 with polydactyly (SRTD14). Identifiers: Orphanet 397715, MedGen C4225286, MONDO:0014688, OMIM 616546.

Allele frequency attached by ClinVar (database versions not stated): ExAC 0.00001.
gnomAD v4.1: 2 of 1,606,004 alleles (0.00012%); highest among the groups gnomAD compares: Non-Finnish European, 0.00017%; no homozygotes.

Submission:

Labcorp Genetics (formerly Invitae), Labcorp
Classification: Uncertain significance for Joubert syndrome 23; Short-rib thoracic dysplasia 14 with polydactyly. Last evaluated: 2022-05-31. Review status: criteria provided, single submitter. Criteria: Invitae Variant Classification Sherloc (09022015). Collection method: clinical testing. Allele origin: germline.
Comment: In summary, the available evidence is currently insufficient to determine the role of this variant in disease. Therefore, it has been classified as a Variant of Uncertain Significance. Algorithms developed to predict the effect of missense changes on protein structure and function are either unavailable or do not agree on the potential impact of this missense change (SIFT: "Deleterious"; PolyPhen-2: "Probably Damaging"; Align-GVGD: "Class C0"). This variant has not been reported in the literature in individuals affected with KIAA0586-related conditions. This variant is present in population databases (rs757972092, gnomAD 0.001%). This sequence change replaces leucine, which is neutral and non-polar, with valine, which is neutral and non-polar, at codon 558 of the KIAA0586 protein (p.Leu558Val).